The following is an entry in ClinVar:

NM_000354.6(SERPINA7):c.789G>C (p.Lys263Asn)

Gene: SERPINA7 (serpin family A member 7; minus strand). Cytogenetic location: Xq22.3.
Variant type: single nucleotide variant.
Coding change: c.789G>C on transcript NM_000354.6 (MANE Select); coding-DNA position 789, G replaced by C.
Protein change: p.Lys263Asn; replaces lysine 263 with asparagine.
Molecular consequence: missense variant.
Genome position (GRCh38, 1-based): chrX:106,035,219, C>G on the plus strand (G>C on the coding strand, the complement: SERPINA7 is on the minus strand). VCF-style: chrX-106035219-C-G. GRCh37 (hg19) VCF-style: chrX-105279210-C-G.
Other names: short protein forms K263N.
Identifiers: ClinVar variation 3068863 (VCV003068863.2), dbSNP rs1277486282, ClinGen allele CA413875784.

ClinVar aggregate classification (germline): Uncertain significance (1 of 4 stars; one submission).

Allele frequency attached by ClinVar (database versions not stated): TOPMed 0.00002.

Submission:

Women's Health and Genetics/Laboratory Corporation of America, LabCorp
Classification: Uncertain significance. Last evaluated: 2024-02-16. Review status: criteria provided, single submitter. Criteria: LabCorp Variant Classification Summary - May 2015. Collection method: clinical testing. Allele origin: germline.
Comment: Variant summary: SERPINA7 c.789G>C (p.Lys263Asn) results in a non-conservative amino acid change located in the Serpin domain (IPR023796) of the encoded protein sequence. Three of five in-silico tools predict a benign effect of the variant on protein function. The variant was absent in 182802 control chromosomes. The available data on variant occurrences in the general population are insufficient to allow any conclusion about variant significance. To our knowledge, no occurrence of c.789G>C in individuals affected with Thyroxine-Binding Globulin Deficiency and no experimental evidence demonstrating its impact on protein function have been reported. No submitters have cited clinical-significance assessments for this variant to ClinVar. Based on the evidence outlined above, the variant was classified as uncertain significance.